The following is an entry in ClinVar:

ClinVar aggregate classification (germline): Benign. Review status: criteria provided, multiple submitters, no conflicts (2 of 4 stars). 3 submissions from 3 submitters: Benign (2). 1 of the submissions does not count toward it. Last evaluated 2026-01-19.

Conditions:
Combined deficiency of sialidase AND beta galactosidase (GSL). Also called: Galactosialidosis; CATHEPSIN A DEFICIENCY; GOLDBERG SYNDROME; NEURAMINIDASE DEFICIENCY WITH BETA-GALACTOSIDASE DEFICIENCY; NEURAMINIDASE/BETA-GALACTOSIDASE EXPRESSION; PPCA DEFICIENCY. Identifiers: Orphanet 351, MedGen C0268233, MONDO:0009737, OMIM 256540.
CTSA-related disorder. Also called: CTSA-related condition.

Submissions (3):

Labcorp Genetics (formerly Invitae), Labcorp
Classification: Benign for Combined deficiency of sialidase AND beta galactosidase. Last evaluated: 2026-01-19. Review status: criteria provided, single submitter. Criteria: Invitae Variant Classification Sherloc (09022015). Collection method: clinical testing. Allele origin: germline.

Women's Health and Genetics/Laboratory Corporation of America, LabCorp
Classification: Benign. Last evaluated: 2025-06-04. Review status: criteria provided, single submitter. Criteria: LabCorp Variant Classification Summary - May 2015. Collection method: clinical testing. Allele origin: germline.
Comment: Variant summary: CTSA c.693-11_693-9delATC results in the deletion of 3 nucleotides located at a position not widely known to affect splicing. Consensus agreement among computation tools predicts no significant impact on normal splicing. However, these predictions have yet to be confirmed by functional studies. The variant allele was found at a frequency of 0.00017 in 251000 control chromosomes, predominantly at a frequency of 0.0026 within the African or African-American subpopulation in the gnomAD database. The observed variant frequency within African or African-American control individuals in the gnomAD database is approximately 1.6-fold of the estimated maximal expected allele frequency for a pathogenic variant in CTSA causing Galactosialidosis phenotype (0.0016). To our knowledge, no occurrence of c.693-11_693-9delATC in individuals affected with Galactosialidosis and no experimental evidence demonstrating its impact on protein function have been reported. ClinVar contains an entry for this variant (Variation ID: 1601764). Based on the evidence outlined above, the variant was classified as benign.

PreventionGenetics, part of Exact Sciences
Classification: Likely benign for CTSA-related condition. Last evaluated: 2023-10-13. Review status: no assertion criteria provided. Collection method: clinical testing. Allele origin: germline. Not counted in ClinVar's aggregate classification.
Comment: This variant is classified as likely benign based on ACMG/AMP sequence variant interpretation guidelines (Richards et al. 2015 PMID: 25741868, with internal and published modifications).

NM_000308.4(CTSA):c.693-11_693-9del

Gene: CTSA (cathepsin A; plus strand). Cytogenetic location: 20q13.12.
Variant type: Deletion.
Coding change: c.693-11_693-9del on transcript NM_000308.4 (MANE Select); 11 bases into the intron before coding-DNA position 693 through 9 bases into the intron before coding-DNA position 693, 3 bases deleted (ATC; older notation c.693-11_693-9delATC).
Molecular consequence: intron variant.
Genome position (GRCh38, 1-based): chr20:45,893,977-45,893,979, ATC deleted; deleting any 3 consecutive bases within chr20:45,893,975-45,893,979 gives the same sequence; the c. name uses the placement nearest the transcript's 3' end. VCF-style (leftmost placement, unchanged base first): chr20-45893974-CTCA-C. GRCh37 (hg19) VCF-style: chr20-44522613-CTCA-C.
Other names: c.693-11_693-9del (NM_001127695.3); c.642-11_642-9del (NM_001167594.3); c.693-11_693-9delATC (NM_000308.4).
Identifiers: ClinVar variation 1601764 (VCV001601764.12), dbSNP rs560285370, ClinGen allele CA9883128.